The following is an entry in ClinVar:

ClinVar aggregate classification (germline): Uncertain significance (1 of 4 stars; one submission).

Conditions:
Leigh syndrome (NULS). Also called: Leigh's necrotizing encephalopathy; Leigh's disease; Leigh Syndrome (mtDNA deletion); Leigh Disease; Subacute necrotizing encephalopathy; Necrotizing encephalopathy infantile subacute of Leigh. Identifiers: Orphanet 506, MedGen C2931891, MONDO:0009723, OMIM 256000.

Submission:

Wong Mito Lab, Molecular and Human Genetics, Baylor College of Medicine
Classification: Uncertain significance for Leigh syndrome. Last evaluated: 2019-10-17. Review status: criteria provided, single submitter. Criteria: Modified ACMG Guidelines (Unpublished). Collection method: clinical testing. Allele origin: germline.
Comment: The NC_012920.1:m.12410A>G (YP_003024036.1:p.Asn25Ser) variant in MTND5 gene is interpretated to be a Uncertain Significance variant based on the modified ACMG guidelines (unpublished). This variant meets the following evidence codes: PP6, BP4

NC_012920.1(MT-ND5):m.12410A>G

Gene: MT-ND5 (mitochondrially encoded NADH dehydrogenase 5; plus strand).
Variant type: single nucleotide variant.
Genome position: chrM-12410-A-G.
Identifiers: ClinVar variation 693437 (VCV000693437.1), dbSNP rs1603223725, ClinGen allele CA414813018.